The following is an entry in ClinVar:

NM_005732.4(RAD50):c.1430T>G (p.Leu477Arg)

Gene: RAD50 (RAD50 double strand break repair protein; plus strand). Cytogenetic location: 5q31.1.
Variant type: single nucleotide variant.
Coding change: c.1430T>G on transcript NM_005732.4 (MANE Select); coding-DNA position 1430, T replaced by G.
Protein change: p.Leu477Arg; replaces leucine 477 with arginine.
Molecular consequence: missense variant.
Genome position (GRCh38, 1-based): chr5:132,589,815, T>G. VCF-style: chr5-132589815-T-G. GRCh37 (hg19) VCF-style: chr5-131925507-T-G.
Other names: short protein forms L477R.
Identifiers: ClinVar variation 482089 (VCV000482089.13), dbSNP rs1554098332, ClinGen allele CA360944874.

ClinVar aggregate classification (germline): Uncertain significance. Review status: criteria provided, multiple submitters, no conflicts (2 of 4 stars). 2 submissions from 2 submitters: Uncertain significance (2). Last evaluated 2025-05-23.

Conditions:
Hereditary cancer-predisposing syndrome. Also called: Neoplastic Syndromes, Hereditary; Tumor predisposition; Hereditary Cancer Syndrome; Hereditary neoplastic syndrome. Identifiers: Orphanet 140162, MedGen C0027672, MeSH D009386, MONDO:0015356.

Allele frequency attached by ClinVar (database versions not stated): gnomAD exomes below 0.00001.

Submissions (2):

Ambry Genetics
Classification: Uncertain significance for Hereditary cancer-predisposing syndrome. Last evaluated: 2025-05-23. Review status: criteria provided, single submitter. Criteria: Ambry Variant Classification Scheme 2023. Collection method: clinical testing. Allele origin: germline.
Comment: The p.L477R variant (also known as c.1430T>G), located in coding exon 9 of the RAD50 gene, results from a T to G substitution at nucleotide position 1430. The leucine at codon 477 is replaced by arginine, an amino acid with dissimilar properties. This amino acid position is highly conserved in available vertebrate species. In addition, the in silico prediction for this alteration is inconclusive. Since supporting evidence is limited at this time, the clinical significance of this alteration remains unclear.

Labcorp Genetics (formerly Invitae), Labcorp
Classification: Uncertain significance for Hereditary cancer-predisposing syndrome. Last evaluated: 2024-10-24. Review status: criteria provided, single submitter. Criteria: Invitae Variant Classification Sherloc (09022015). Collection method: clinical testing. Allele origin: germline.
Comment: This sequence change replaces leucine, which is neutral and non-polar, with arginine, which is basic and polar, at codon 477 of the RAD50 protein (p.Leu477Arg). This variant is not present in population databases (gnomAD no frequency). This variant has not been reported in the literature in individuals affected with RAD50-related conditions. ClinVar contains an entry for this variant (Variation ID: 482089). Invitae Evidence Modeling of protein sequence and biophysical properties (such as structural, functional, and spatial information, amino acid conservation, physicochemical variation, residue mobility, and thermodynamic stability) has been performed for this missense variant. However, the output from this modeling did not meet the statistical confidence thresholds required to predict the impact of this variant on RAD50 protein function. In summary, the available evidence is currently insufficient to determine the role of this variant in disease. Therefore, it has been classified as a Variant of Uncertain Significance.